The following is an entry in ClinVar:

NM_001378454.1(ALMS1):c.4244G>C (p.Gly1415Ala)

Gene: ALMS1 (ALMS1 centrosome and basal body associated protein; plus strand). Cytogenetic location: 2p13.1.
Variant type: single nucleotide variant.
Coding change: c.4244G>C on transcript NM_001378454.1 (MANE Select); coding-DNA position 4244, G replaced by C.
Protein change: p.Gly1415Ala; replaces glycine 1415 with alanine.
Molecular consequence: missense variant.
Genome position (GRCh38, 1-based): chr2:73,450,771, G>C. VCF-style: chr2-73450771-G-C. GRCh37 (hg19) VCF-style: chr2-73677898-G-C.
Other names: NM_015120.4:c.4241G>C; p.Gly1414Ala; c.4247G>C, p.Gly1416Ala (NM_015120.4); short protein forms G1416A, G1415A.
Identifiers: ClinVar variation 379229 (VCV000379229.30), dbSNP rs6546837, ClinGen allele CA1713670.

ClinVar aggregate classification (germline): Benign. Review status: criteria provided, multiple submitters, no conflicts (2 of 4 stars). 11 submissions from 11 submitters: Benign (7). 4 of the submissions do not count toward it. Last evaluated 2026-02-04.

Conditions:
Cardiovascular phenotype. Identifiers: MedGen CN230736.
Alstrom syndrome (ALMS). Identifiers: Orphanet 64, MedGen C0268425, MONDO:0008763, OMIM 203800.

Allele frequency attached by ClinVar (database versions not stated): gnomAD exomes 0.26751; ExAC 0.26813; 1000 Genomes Project 0.36362; 1000 Genomes Project 30x 0.38179; ESP Exome Variant Server 0.39457; gnomAD 0.39736; TOPMed 0.41525.
gnomAD v4.1: 414,270 of 1,607,392 alleles (26%); highest among the groups gnomAD compares: African/African-American, 78%; 66,432 homozygotes.

Submissions (11):

Labcorp Genetics (formerly Invitae), Labcorp
Classification: Benign for Alstrom syndrome. Last evaluated: 2026-02-04. Review status: criteria provided, single submitter. Criteria: Invitae Variant Classification Sherloc (09022015). Collection method: clinical testing. Allele origin: germline.

Blueprint Genetics
Classification: Benign. Last evaluated: 2024-11-26. Review status: criteria provided, single submitter. Criteria: ACMG Guidelines, 2015. Collection method: clinical testing. Allele origin: germline.

Genome-Nilou Lab
Classification: Benign for Alstrom syndrome. Last evaluated: 2021-07-14. Review status: criteria provided, single submitter. Criteria: ACMG Guidelines, 2015. Collection method: clinical testing. Allele origin: germline. Affected: no.

Ambry Genetics
Classification: Benign for Cardiovascular phenotype. Last evaluated: 2018-12-21. Review status: criteria provided, single submitter. Criteria: Ambry Variant Classification Scheme 2023. Collection method: clinical testing. Allele origin: germline.

GeneDx
Classification: Benign. Last evaluated: 2016-09-22. Review status: criteria provided, single submitter. Criteria: GeneDx Variant Classification (06012015). Collection method: clinical testing. Allele origin: germline. Affected: yes.
Comment: This variant is considered likely benign or benign based on one or more of the following criteria: it is a conservative change, it occurs at a poorly conserved position in the protein, it is predicted to be benign by multiple in silico algorithms, and/or has population frequency not consistent with disease.

Laboratory for Molecular Medicine, Mass General Brigham Personalized Medicine
Classification: Benign. Last evaluated: 2016-03-21. Review status: criteria provided, single submitter. Criteria: LMM Criteria. Collection method: clinical testing. Allele origin: germline. Observed: 141 variant alleles.
Comment: p.Gly1414Ala in exon 8 of ALMS1: This variant is not expected to have clinical s ignificance because it has been identified in 87.82% (1161/1322) of African chro mosomes by the 1000 Genomes Project (Phase 3; dbSNP rs6546837).

Breakthrough Genomics
Classification: Benign. Review status: criteria provided, single submitter. Criteria: ACMG Guidelines, 2015. Collection method: not provided. Allele origin: germline. Inheritance: Autosomal recessive inheritance. Affected: yes.

Natera, Inc.
Classification: Benign for Alstrom syndrome. Last evaluated: 2020-09-16. Review status: no assertion criteria provided. Collection method: clinical testing. Allele origin: germline. Not counted in ClinVar's aggregate classification.

Clinical Genetics, Academic Medical Center
Classification: Benign. Review status: no assertion criteria provided. Collection method: clinical testing. Allele origin: germline. Affected: yes. Study: VKGL Data-share Consensus. Not counted in ClinVar's aggregate classification.

Diagnostic Laboratory, Department of Genetics, University Medical Center Groningen
Classification: Benign. Review status: no assertion criteria provided. Collection method: clinical testing. Allele origin: germline. Affected: yes. Study: VKGL Data-share Consensus. Not counted in ClinVar's aggregate classification.

Joint Genome Diagnostic Labs from Nijmegen and Maastricht, Radboudumc and MUMC+
Classification: Benign. Review status: no assertion criteria provided. Collection method: clinical testing. Allele origin: germline. Affected: yes. Study: VKGL Data-share Consensus. Not counted in ClinVar's aggregate classification.